The following is an entry in ClinVar:

NM_000077.5(CDKN2A):c.444G>C (p.Ala148=)

Gene: CDKN2A (cyclin dependent kinase inhibitor 2A; minus strand). Cytogenetic location: 9p21.3.
Variant type: single nucleotide variant.
Coding change: c.444G>C on transcript NM_000077.5; coding-DNA position 444, G replaced by C.
Protein change: p.Ala148=; no amino-acid change (alanine 148 retained).
Molecular consequence: synonymous variant (on NM_000077.6). On other transcripts: 3 prime UTR variant (2).
Genome position (GRCh38, 1-based): chr9:21,970,915, C>G on the plus strand (G>C on the coding strand, the complement: CDKN2A is on the minus strand). VCF-style: chr9-21970915-C-G. GRCh37 (hg19) VCF-style: chr9-21970914-C-G.
Other names: c.444G>C, p.Ala148= (NM_000077.6, NM_001195132.2); c.291G>C, p.Ala97= (NM_001363763.2); c.*88G>C (NM_058195.4); c.*367G>C (NM_058197.5).
Identifiers: ClinVar variation 921245 (VCV000921245.10), dbSNP rs768280139, ClinGen allele CA464100093.

ClinVar aggregate classification (germline): Likely benign. Review status: criteria provided, multiple submitters, no conflicts (2 of 4 stars). 4 submissions from 4 submitters: Likely benign (3). 1 of the submissions does not count toward it. Last evaluated 2025-03-09.

Conditions:
Familial melanoma. Also called: Hereditary melanoma; Hereditary cutaneous melanoma. Identifiers: Orphanet 618, MedGen C1512419, MONDO:0018961.
Hereditary cancer-predisposing syndrome. Also called: Tumor predisposition; Neoplastic Syndromes, Hereditary; Hereditary neoplastic syndrome; Hereditary Cancer Syndrome. Identifiers: Orphanet 140162, MedGen C0027672, MeSH D009386, MONDO:0015356.
CDKN2A-related disorder. Also called: CDKN2A-related condition.

Submissions (4):

Labcorp Genetics (formerly Invitae), Labcorp
Classification: Likely benign for Familial melanoma. Last evaluated: 2025-03-09. Review status: criteria provided, single submitter. Criteria: Invitae Variant Classification Sherloc (09022015). Collection method: clinical testing. Allele origin: germline.

Ambry Genetics
Classification: Likely benign for Hereditary cancer-predisposing syndrome. Last evaluated: 2023-04-09. Review status: criteria provided, single submitter. Criteria: Ambry Variant Classification Scheme 2023. Collection method: clinical testing. Allele origin: germline.

Color Diagnostics, LLC DBA Color Health
Classification: Likely benign for Hereditary cancer-predisposing syndrome. Last evaluated: 2020-01-27. Review status: criteria provided, single submitter. Criteria: ACMG Guidelines, 2015. Collection method: clinical testing. Allele origin: germline.

PreventionGenetics, part of Exact Sciences
Classification: Likely benign for CDKN2A-related condition. Last evaluated: 2022-02-23. Review status: no assertion criteria provided. Collection method: clinical testing. Allele origin: germline. Not counted in ClinVar's aggregate classification.
Comment: This variant is classified as likely benign based on ACMG/AMP sequence variant interpretation guidelines (Richards et al. 2015 PMID: 25741868, with internal and published modifications).